The following is an entry in ClinVar:

NM_000702.4(ATP1A2):c.2471dup (p.Ala824_Glu825insTer)

Gene: ATP1A2 (ATPase Na+/K+ transporting subunit alpha 2; plus strand). Cytogenetic location: 1q23.2.
Variant type: Duplication.
Coding change: c.2471dup on transcript NM_000702.4 (MANE Select); coding-DNA position 2471, one base duplicated (C; older notation c.2471dupC).
Protein change: p.Ala824_Glu825insTer.
Molecular consequence: frameshift variant.
Genome position (GRCh38, 1-based): chr1:160,136,278, C duplicated. VCF-style (leftmost placement, unchanged base first): chr1-160136277-G-GC. GRCh37 (hg19) VCF-style: chr1-160106067-G-GC.
Identifiers: ClinVar variation 958871 (VCV000958871.7), dbSNP rs1651944837, ClinGen allele CA1139656383.

ClinVar aggregate classification (germline): Pathogenic (1 of 4 stars; one submission).

Conditions:
Familial hemiplegic migraine. Identifiers: MedGen C0338484, MONDO:0000700.

Allele frequency attached by ClinVar (database versions not stated): gnomAD exomes below 0.00001.

Submission:

Labcorp Genetics (formerly Invitae), Labcorp
Classification: Pathogenic for Familial hemiplegic migraine. Last evaluated: 2022-10-03. Review status: criteria provided, single submitter. Criteria: Invitae Variant Classification Sherloc (09022015). Collection method: clinical testing. Allele origin: germline.
Comment: For these reasons, this variant has been classified as Pathogenic. ClinVar contains an entry for this variant (Variation ID: 958871). This variant has not been reported in the literature in individuals affected with ATP1A2-related conditions. This variant is not present in population databases (gnomAD no frequency). This sequence change creates a premature translational stop signal (p.Glu825*) in the ATP1A2 gene. It is expected to result in an absent or disrupted protein product. Loss-of-function variants in ATP1A2 are known to be pathogenic (PMID: 30690204).

Literature cited by the submitters: PubMed 30690204.